The following is an entry in ClinVar:

ClinVar aggregate classification (germline): Uncertain significance. Review status: criteria provided, multiple submitters, no conflicts (2 of 4 stars). 3 submissions from 3 submitters: Uncertain significance (3). Last evaluated 2025-09-29.

Conditions:
OTOG-related disorder. Also called: OTOG-related condition.

Allele frequency attached by ClinVar (database versions not stated): gnomAD 0.00006; TOPMed 0.00009; gnomAD exomes 0.00015; ExAC 0.00026.
gnomAD v4.1: 192 of 1,550,350 alleles (0.012%); highest among the groups gnomAD compares: South Asian, 0.038%; no homozygotes.

Submissions (3):

PreventionGenetics, part of Exact Sciences
Classification: Uncertain significance for OTOG-related condition. Last evaluated: 2025-09-29. Review status: criteria provided, single submitter. Criteria: ACMG Guidelines, 2015. Collection method: clinical testing. Allele origin: germline.
Comment: The OTOG c.1582C>T variant is predicted to result in the amino acid substitution p.Arg528Cys. To our knowledge, this variant has not been reported in the literature. This variant is reported in 0.053% of alleles in individuals of South Asian descent in gnomAD. At this time, the clinical significance of this variant is uncertain due to the absence of conclusive functional and genetic evidence.

Labcorp Genetics (formerly Invitae), Labcorp
Classification: Uncertain significance. Last evaluated: 2022-06-09. Review status: criteria provided, single submitter. Criteria: Invitae Variant Classification Sherloc (09022015). Collection method: clinical testing. Allele origin: germline.
Comment: This sequence change replaces arginine, which is basic and polar, with cysteine, which is neutral and slightly polar, at codon 528 of the OTOG protein (p.Arg528Cys). This variant is present in population databases (rs755375116, gnomAD 0.05%). This variant has not been reported in the literature in individuals affected with OTOG-related conditions. ClinVar contains an entry for this variant (Variation ID: 506267). Algorithms developed to predict the effect of missense changes on protein structure and function are either unavailable or do not agree on the potential impact of this missense change (SIFT: "Deleterious"; PolyPhen-2: "Probably Damaging"; Align-GVGD: "Class C0"). In summary, the available evidence is currently insufficient to determine the role of this variant in disease. Therefore, it has been classified as a Variant of Uncertain Significance.

Laboratory for Molecular Medicine, Mass General Brigham Personalized Medicine
Classification: Uncertain significance. Last evaluated: 2018-01-09. Review status: criteria provided, single submitter. Criteria: LMM Criteria. Collection method: clinical testing. Allele origin: germline. Observed: 1 variant allele.
Comment: The p.Arg528Cys variant in OTOG has not been previously reported in individuals with hearing loss, but has been identified in 12/22594 South Asian chromosomes b y the Genome Aggregation Database (gnomAD; dbS NP rs755375116). Although this variant has been seen in the general population, its frequency is not high enough to rule out a pathogenic role. Computational pr ediction tools and conservation analyses suggest that this variant may impact th e protein, though this information is not predictive enough to determine pathoge nicity. In summary, the clinical significance of the p.Arg528Cys variant is unce rtain. ACMG/AMP Criteria applied: PP3.

NM_001292063.2(OTOG):c.1546C>T (p.Arg516Cys)

Gene: OTOG (otogelin; plus strand). Cytogenetic location: 11p15.1.
Variant type: single nucleotide variant.
Coding change: c.1546C>T on transcript NM_001292063.2 (MANE Select); coding-DNA position 1546, C replaced by T.
Protein change: p.Arg516Cys; replaces arginine 516 with cysteine.
Molecular consequence: missense variant.
Genome position (GRCh38, 1-based): chr11:17,561,709, C>T. VCF-style: chr11-17561709-C-T. GRCh37 (hg19) VCF-style: chr11-17583256-C-T.
Other names: c.1582C>T, p.Arg528Cys (NM_001277269.2); short protein forms R528C, R516C.
Identifiers: ClinVar variation 506267 (VCV000506267.8), dbSNP rs755375116, ClinGen allele CA5905503.